The following is an entry in ClinVar:

NM_001110556.2(FLNA):c.1169G>T (p.Gly390Val)

Gene: FLNA (filamin A; minus strand). Cytogenetic location: Xq28.
Variant type: single nucleotide variant.
Coding change: c.1169G>T on transcript NM_001110556.2 (MANE Select); coding-DNA position 1169, G replaced by T.
Protein change: p.Gly390Val; replaces glycine 390 with valine.
Molecular consequence: missense variant.
Genome position (GRCh38, 1-based): chrX:154,366,367, C>A on the plus strand (G>T on the coding strand, the complement: FLNA is on the minus strand). VCF-style: chrX-154366367-C-A. GRCh37 (hg19) VCF-style: chrX-153594735-C-A.
Other names: c.1169G>T, p.Gly390Val (NM_001456.4); short protein forms G390V.
Identifiers: ClinVar variation 2950152 (VCV002950152.3), dbSNP rs2522760894, ClinGen allele CA415244353.

ClinVar aggregate classification (germline): Uncertain significance (1 of 4 stars; one submission).

Conditions:
Heterotopia, periventricular, X-linked dominant (PVNH1). Also called: PERIVENTRICULAR NODULAR HETEROTOPIA 1; X-linked periventricular heterotopia; PERIVENTRICULAR NODULAR HETEROTOPIA 4; HETEROTOPIA, PERIVENTRICULAR, 1. Identifiers: Orphanet 2149, Orphanet 82004, MedGen C1848213, MONDO:0010233, OMIM 300049.
Melnick-Needles syndrome (MNS). Also called: Melnick-Needles Syndrome (FLNA-MNS); MELNICK-NEEDLES OSTEODYSPLASTY; OSTEODYSPLASTY OF MELNICK AND NEEDLES. Identifiers: Orphanet 2484, MedGen C0025237, MONDO:0010650, OMIM 309350.
Frontometaphyseal dysplasia (FMD1). Identifiers: Orphanet 1826, MedGen C0265293, MONDO:0015942.
Oto-palato-digital syndrome, type II (OPD2). Also called: Otopalatodigital Syndrome Type 2 (FLNA-OPD2); FACIOPALATOOSSEOUS SYNDROME; OPD II SYNDROME; Otopalatodigital Syndrome, Type II. Identifiers: Orphanet 669, Orphanet 90652, MedGen C1844696, MONDO:0010571, OMIM 304120.

Submission:

Labcorp Genetics (formerly Invitae), Labcorp
Classification: Uncertain significance for Oto-palato-digital syndrome, type II; Heterotopia, periventricular, X-linked dominant; Frontometaphyseal dysplasia; Melnick-Needles syndrome. Last evaluated: 2023-07-21. Review status: criteria provided, single submitter. Criteria: Invitae Variant Classification Sherloc (09022015). Collection method: clinical testing. Allele origin: germline.
Comment: In summary, the available evidence is currently insufficient to determine the role of this variant in disease. Therefore, it has been classified as a Variant of Uncertain Significance. Advanced modeling of protein sequence and biophysical properties (such as structural, functional, and spatial information, amino acid conservation, physicochemical variation, residue mobility, and thermodynamic stability) has been performed at Invitae for this missense variant, however the output from this modeling did not meet the statistical confidence thresholds required to predict the impact of this variant on FLNA protein function. This variant has not been reported in the literature in individuals affected with FLNA-related conditions. This variant is not present in population databases (gnomAD no frequency). This sequence change replaces glycine, which is neutral and non-polar, with valine, which is neutral and non-polar, at codon 390 of the FLNA protein (p.Gly390Val).